The following is an entry in ClinVar:

NM_003200.5(TCF3):c.997G>A (p.Gly333Ser)

Gene: TCF3 (transcription factor 3; minus strand). Cytogenetic location: 19p13.3.
Variant type: single nucleotide variant.
Coding change: c.997G>A on transcript NM_003200.5 (MANE Select); coding-DNA position 997, G replaced by A.
Protein change: p.Gly333Ser; replaces glycine 333 with serine.
Molecular consequence: missense variant.
Genome position (GRCh38, 1-based): chr19:1,621,150, C>T on the plus strand (G>A on the coding strand, the complement: TCF3 is on the minus strand). VCF-style: chr19-1621150-C-T. GRCh37 (hg19) VCF-style: chr19-1621149-C-T.
Other names: c.997G>A, p.Gly333Ser (NM_001136139.4, NM_001351778.2, NM_001351779.2); short protein forms G333S.
Identifiers: ClinVar variation 546826 (VCV000546826.46), dbSNP rs376498623, ClinGen allele CA304103351.

ClinVar aggregate classification (germline): Uncertain significance. Review status: criteria provided, multiple submitters, no conflicts (2 of 4 stars). 2 submissions from 2 submitters: Uncertain significance (2). Last evaluated 2023-07-10.

Allele frequency attached by ClinVar (database versions not stated): TOPMed 0.00002.
gnomAD v4.1: 6 of 1,541,014 alleles (0.00039%); highest among the groups gnomAD compares: East Asian, 0.0024%; no homozygotes.

Submissions (2):

Labcorp Genetics (formerly Invitae), Labcorp
Classification: Uncertain significance. Last evaluated: 2023-07-10. Review status: criteria provided, single submitter. Criteria: Invitae Variant Classification Sherloc (09022015). Collection method: clinical testing. Allele origin: germline.
Comment: ClinVar contains an entry for this variant (Variation ID: 546826). Advanced modeling of protein sequence and biophysical properties (such as structural, functional, and spatial information, amino acid conservation, physicochemical variation, residue mobility, and thermodynamic stability) performed at Invitae indicates that this missense variant is expected to disrupt TCF3 protein function. In summary, the available evidence is currently insufficient to determine the role of this variant in disease. Therefore, it has been classified as a Variant of Uncertain Significance. This variant has not been reported in the literature in individuals affected with TCF3-related conditions. This sequence change replaces glycine, which is neutral and non-polar, with serine, which is neutral and polar, at codon 333 of the TCF3 protein (p.Gly333Ser). This variant is not present in population databases (gnomAD no frequency).

CeGaT Center for Human Genetics Tuebingen
Classification: Uncertain significance. Last evaluated: 2018-03-01. Review status: criteria provided, single submitter. Criteria: CeGaT Center For Human Genetics Tuebingen Variant Classification Criteria Version 2. Collection method: clinical testing. Allele origin: germline. Affected: yes. Observed: 1 variant allele.